The following is an entry in ClinVar:

ClinVar aggregate classification (germline): Uncertain significance. Review status: criteria provided, multiple submitters, no conflicts (2 of 4 stars). 2 submissions from 2 submitters: Uncertain significance (2). Last evaluated 2026-01-14.

Conditions:
Hereditary cancer-predisposing syndrome. Also called: Hereditary neoplastic syndrome; Neoplastic Syndromes, Hereditary; Hereditary Cancer Syndrome; Tumor predisposition. Identifiers: Orphanet 140162, MedGen C0027672, MeSH D009386, MONDO:0015356.
Familial cancer of breast. Also called: Hereditary breast cancer; BREAST CANCER, FAMILIAL; hereditary breast carcinoma. Identifiers: Orphanet 227535, MedGen C0346153, MONDO:0016419, OMIM 114480. Disease mechanism: loss of function.

Submissions (2):

Labcorp Genetics (formerly Invitae), Labcorp
Classification: Uncertain significance for Familial cancer of breast. Last evaluated: 2026-01-14. Review status: criteria provided, single submitter. Criteria: Invitae Variant Classification Sherloc (09022015). Collection method: clinical testing. Allele origin: germline.
Comment: This sequence change replaces serine, which is neutral and polar, with cysteine, which is neutral and slightly polar, at codon 155 of the CHEK2 protein (p.Ser155Cys). This variant is not present in population databases (gnomAD no frequency). This variant has not been reported in the literature in individuals affected with CHEK2-related conditions. ClinVar contains an entry for this variant (Variation ID: 2705194). An algorithm developed to predict the effect of missense changes on protein structure and function outputs the following: PolyPhen-2: "Benign". The cysteine amino acid residue is found in multiple mammalian species, which suggests that this missense change does not adversely affect protein function. In summary, the available evidence is currently insufficient to determine the role of this variant in disease. Therefore, it has been classified as a Variant of Uncertain Significance.

Ambry Genetics
Classification: Uncertain significance for Hereditary cancer-predisposing syndrome. Last evaluated: 2025-02-16. Review status: criteria provided, single submitter. Criteria: Ambry Variant Classification Scheme 2023. Collection method: clinical testing. Allele origin: germline.
Comment: The p.S155C variant (also known as c.464C>G), located in coding exon 3 of the CHEK2 gene, results from a C to G substitution at nucleotide position 464. The serine at codon 155 is replaced by cysteine, an amino acid with dissimilar properties. This amino acid position is conserved. In addition, the in silico prediction for this alteration is inconclusive. Based on the available evidence, the clinical significance of this variant remains unclear.

NM_007194.4(CHEK2):c.464C>G (p.Ser155Cys)

Gene: CHEK2 (checkpoint kinase 2; minus strand). Cytogenetic location: 22q12.1.
Variant type: single nucleotide variant.
Coding change: c.464C>G on transcript NM_007194.4 (MANE Select); coding-DNA position 464, C replaced by G.
Protein change: p.Ser155Cys; replaces serine 155 with cysteine.
Molecular consequence: missense variant. On other transcripts: 5 prime UTR variant (2), intron variant (1).
Genome position (GRCh38, 1-based): chr22:28,725,105, G>C on the plus strand (C>G on the coding strand, the complement: CHEK2 is on the minus strand). VCF-style: chr22-28725105-G-C. GRCh37 (hg19) VCF-style: chr22-29121093-G-C.
Other names: c.593C>G, p.Ser198Cys (NM_001005735.3, NM_001438294.1); c.-314C>G (NM_001257387.3); c.-200C>G (NM_001437942.1); c.557C>G, p.Ser186Cys (NM_001438293.1, NM_001438295.1); c.464C>G, p.Ser155Cys (NM_145862.3); c.444+138C>G (NM_001349956.3); short protein forms S198C, S155C, S186C.
Identifiers: ClinVar variation 2705194 (VCV002705194.4), dbSNP rs2146061545, ClinGen allele CA411107683.